The following is an entry in ClinVar:

NM_001111.5(ADAR):c.820C>A (p.Pro274Thr)

Gene: ADAR (adenosine deaminase RNA specific; minus strand). Cytogenetic location: 1q21.3.
Variant type: single nucleotide variant.
Coding change: c.820C>A on transcript NM_001111.5 (MANE Select); coding-DNA position 820, C replaced by A.
Protein change: p.Pro274Thr; replaces proline 274 with threonine.
Molecular consequence: missense variant. On other transcripts: 5 prime UTR variant (6).
Genome position (GRCh38, 1-based): chr1:154,601,822, G>T on the plus strand (C>A on the coding strand, the complement: ADAR is on the minus strand). VCF-style: chr1-154601822-G-T. GRCh37 (hg19) VCF-style: chr1-154574298-G-T.
Other names: c.-66C>A (NM_001025107.3, NM_001193495.2, NM_001365046.1 and 3 more transcripts); c.847C>A, p.Pro283Thr (NM_001365045.1); c.820C>A, p.Pro274Thr (NM_015840.4, NM_015841.4); short protein forms P274T, P283T.
Identifiers: ClinVar variation 1357594 (VCV001357594.8), dbSNP rs779977985, ClinGen allele CA1131629.
Genomic context (GRCh38, chr1:154,601,822, plus strand): 5'-AAAACTCAAGAGGATCTTCCAAGGCAGATGTGGAGTTGCTGTCTTCAGGTTCCAAACCTG[G>T]GTCTGAGTTTGGGGATCCTTGGCTATGACTGTCTGGTCTTACCACTCCGCTGTGCTGGTT-3'
Protein context (NP_001102.3, residues 264-284): SHSQGSPNSD[Pro274Thr]GLEPEDSNST

ClinVar aggregate classification (germline): Uncertain significance (1 of 4 stars; one submission).

Conditions:
Aicardi-Goutieres syndrome 6 (AGS6). Identifiers: Orphanet 51, MedGen C3539013, MONDO:0014007, OMIM 615010.
Symmetrical dyschromatosis of extremities (DSH). Also called: Dyschromatosis symmetrica hereditaria; RETICULATE ACROPIGMENTATION OF DOHI; SYMMETRIC DYSCHROMATOSIS OF THE EXTREMITIES; DYSCHROMATOSIS SYMMETRICA HEREDITARIA 1. Identifiers: Orphanet 41, MedGen C0406775, MONDO:0007483, OMIM 127400.

Allele frequency attached by ClinVar (database versions not stated): gnomAD exomes below 0.00001; TOPMed below 0.00001; gnomAD 0.00001; ExAC 0.00002.
gnomAD v4.1: 3 of 1,614,094 alleles (0.00019%); highest among the groups gnomAD compares: Non-Finnish European, 0.00025%; no homozygotes.

Submission:

Labcorp Genetics (formerly Invitae), Labcorp
Classification: Uncertain significance for Aicardi-Goutieres syndrome 6; Symmetrical dyschromatosis of extremities. Last evaluated: 2022-02-03. Review status: criteria provided, single submitter. Criteria: Invitae Variant Classification Sherloc (09022015). Collection method: clinical testing. Allele origin: germline.
Comment: In summary, the available evidence is currently insufficient to determine the role of this variant in disease. Therefore, it has been classified as a Variant of Uncertain Significance. Algorithms developed to predict the effect of missense changes on protein structure and function (SIFT, PolyPhen-2, Align-GVGD) all suggest that this variant is likely to be tolerated. This variant has not been reported in the literature in individuals affected with ADAR-related conditions. This variant is present in population databases (rs779977985, gnomAD 0.002%). This sequence change replaces proline, which is neutral and non-polar, with threonine, which is neutral and polar, at codon 274 of the ADAR protein (p.Pro274Thr).